The following is an entry in ClinVar:

ClinVar aggregate classification (germline): Uncertain significance (1 of 4 stars; one submission).

Conditions:
Neu-Laxova syndrome 2. Identifiers: Orphanet 2671, Orphanet 583602, MedGen C4015019, MONDO:0014466, OMIM 616038.

Submission:

Labcorp Genetics (formerly Invitae), Labcorp
Classification: Uncertain significance for Neu-Laxova syndrome 2. Last evaluated: 2022-08-02. Review status: criteria provided, single submitter. Criteria: Invitae Variant Classification Sherloc (09022015). Collection method: clinical testing. Allele origin: germline.
Comment: This sequence change replaces lysine, which is basic and polar, with glutamic acid, which is acidic and polar, at codon 110 of the PSAT1 protein (p.Lys110Glu). This variant is not present in population databases (gnomAD no frequency). This variant has not been reported in the literature in individuals affected with PSAT1-related conditions. Algorithms developed to predict the effect of missense changes on protein structure and function are either unavailable or do not agree on the potential impact of this missense change (SIFT: "Deleterious"; PolyPhen-2: "Possibly Damaging"; Align-GVGD: "Class C0"). In summary, the available evidence is currently insufficient to determine the role of this variant in disease. Therefore, it has been classified as a Variant of Uncertain Significance.

NM_058179.4(PSAT1):c.328A>G (p.Lys110Glu)

Gene: PSAT1 (phosphoserine aminotransferase 1; plus strand). Cytogenetic location: 9q21.2.
Variant type: single nucleotide variant.
Coding change: c.328A>G on transcript NM_058179.4 (MANE Select); coding-DNA position 328, A replaced by G.
Protein change: p.Lys110Glu; replaces lysine 110 with glutamic acid.
Molecular consequence: missense variant.
Genome position (GRCh38, 1-based): chr9:78,304,871, A>G. VCF-style: chr9-78304871-A-G. GRCh37 (hg19) VCF-style: chr9-80919787-A-G.
Other names: c.328A>G, p.Lys110Glu (NM_021154.5); short protein forms K110E.
Identifiers: ClinVar variation 1995834 (VCV001995834.1), dbSNP rs753331548, ClinGen allele CA373872410.